The following is an entry in ClinVar:

ClinVar aggregate classification (germline): Conflicting classifications of pathogenicity. Review status: criteria provided, conflicting classifications (1 of 4 stars). 3 submissions from 3 submitters: Uncertain significance (2); Likely benign (1). Last evaluated 2023-03-23.

Conditions:
Hereditary cancer-predisposing syndrome. Also called: Neoplastic Syndromes, Hereditary; Tumor predisposition; Hereditary Cancer Syndrome; Hereditary neoplastic syndrome. Identifiers: Orphanet 140162, MedGen C0027672, MeSH D009386, MONDO:0015356.
Hereditary breast ovarian cancer syndrome. Also called: Hereditary breast and ovarian cancer syndrome; Hereditary breast and ovarian cancer; Hereditary breast and ovarian cancer syndrome (HBOC); Breast and ovarian cancer; Hereditary breast and/or ovarian cancer syndrome; BRCA1- and BRCA2-Associated Hereditary Breast and Ovarian Cancer. Identifiers: Orphanet 145, MedGen C0677776, MeSH D061325, MONDO:0003582. Disease mechanism: loss of function.

gnomAD v4.1: 1 of 1,609,198 alleles (0.000062%); no homozygotes.

Submissions (3):

University of Washington Department of Laboratory Medicine, University of Washington
Classification: Likely benign for Hereditary cancer-predisposing syndrome. Last evaluated: 2023-03-23. Review status: criteria provided, single submitter. Criteria: Dines et al. (Genet Med. 2020). Collection method: curation. Allele origin: germline.
Comment: Missense variant in a coldspot region where missense variants are very unlikely to be pathogenic (PMID:31911673).

BRCA2 exon 11 coldspot. Reclassification based on statistical prior probability.

Labcorp Genetics (formerly Invitae), Labcorp
Classification: Uncertain significance for Hereditary breast ovarian cancer syndrome. Last evaluated: 2021-03-13. Review status: criteria provided, single submitter. Criteria: Invitae Variant Classification Sherloc (09022015). Collection method: clinical testing. Allele origin: germline.
Comment: This variant has not been reported in the literature in individuals with BRCA2-related conditions. ClinVar contains an entry for this variant (Variation ID: 485446). Algorithms developed to predict the effect of missense changes on protein structure and function are either unavailable or do not agree on the potential impact of this missense change (SIFT: "Tolerated"; PolyPhen-2: "Possibly Damaging"; Align-GVGD: "Class C0"). In summary, the available evidence is currently insufficient to determine the role of this variant in disease. Therefore, it has been classified as a Variant of Uncertain Significance. This sequence change replaces isoleucine with phenylalanine at codon 1851 of the BRCA2 protein (p.Ile1851Phe). The isoleucine residue is weakly conserved and there is a small physicochemical difference between isoleucine and phenylalanine. This variant is not present in population databases (ExAC no frequency).

Ambry Genetics
Classification: Uncertain significance for Hereditary cancer-predisposing syndrome. Last evaluated: 2017-09-15. Review status: criteria provided, single submitter. Criteria: Ambry Variant Classification Scheme 2023. Collection method: clinical testing. Allele origin: germline.
Comment: The p.I1851F variant (also known as c.5551A>T), located in coding exon 10 of the BRCA2 gene, results from an A to T substitution at nucleotide position 5551. The isoleucine at codon 1851 is replaced by phenylalanine, an amino acid with highly similar properties. This amino acid position is poorly conserved in available vertebrate species. In addition, this alteration is predicted to be tolerated by in silico analysis. Since supporting evidence is limited at this time, the clinical significance of this alteration remains unclear.

NM_000059.4(BRCA2):c.5551A>T (p.Ile1851Phe)

Gene: BRCA2 (BRCA2 DNA repair associated; plus strand). Cytogenetic location: 13q13.1.
Variant type: single nucleotide variant.
Coding change: c.5551A>T on transcript NM_000059.4 (MANE Select); coding-DNA position 5551, A replaced by T.
Protein change: p.Ile1851Phe; replaces isoleucine 1851 with phenylalanine.
Molecular consequence: missense variant.
Genome position (GRCh38, 1-based): chr13:32,339,906, A>T. VCF-style: chr13-32339906-A-T. GRCh37 (hg19) VCF-style: chr13-32914043-A-T.
Other names: short protein forms I1851F.
Identifiers: ClinVar variation 485446 (VCV000485446.16), dbSNP rs1555284265, ClinGen allele CA387785957.